The following is an entry in ClinVar:

ClinVar aggregate classification (germline): Pathogenic. Review status: criteria provided, multiple submitters, no conflicts (2 of 4 stars). 3 submissions from 3 submitters: Pathogenic (3). Last evaluated 2025-10-15.

Conditions:
USH2A-related disorder. Also called: USH2A-related condition; USH2A-related disorders. Identifiers: MedGen CN239332.
Usher syndrome type 2A. Also called: RETINAL DISEASE IN USHER SYNDROME TYPE IIA, MODIFIER OF; USHER SYNDROME, TYPE IIA. Identifiers: Orphanet 231178, Orphanet 886, MedGen C1848634, MONDO:0010169, OMIM 276901.

Allele frequency attached by ClinVar (database versions not stated): TOPMed below 0.00001; gnomAD 0.00001.
gnomAD v4.1: 1 of 1,614,014 alleles (0.000062%); highest among the groups gnomAD compares: Non-Finnish European, 0.000085%; no homozygotes.

Submissions (3):

Myriad Genetics, Inc.
Classification: Pathogenic for USH2A-related disorder. Last evaluated: 2025-10-15. Review status: criteria provided, single submitter. Criteria: Myriad Autosomal Dominant, Autosomal Recessive and X-Linked Classification Criteria (2023). Collection method: clinical testing. Allele origin: unknown.
Comment: NM_206933.2(USH2A):c.8141G>A(W2714*) is a nonsense variant classified as pathogenic in the context of USH2A-related disorders. W2714* has been observed in a case with relevant disease (PMID: 34148116). Relevant functional assessments of this variant are not available in the literature. W2714* has not been observed in referenced population frequency databases. In summary, NM_206933.2(USH2A):c.8141G>A(W2714*) is a nonsense variant that has been observed more frequently in cases with the relevant disease than in healthy populations. Please note: this variant was assessed in the context of healthy population screening.

Institute of Human Genetics, University of Leipzig Medical Center
Classification: Pathogenic for Usher syndrome type 2A. Last evaluated: 2024-02-07. Review status: criteria provided, single submitter. Criteria: ACMG Guidelines, 2015. Collection method: clinical testing. Allele origin: unknown. Inheritance: Autosomal recessive inheritance. Affected: yes.
Comment: Criteria applied: PVS1,PM3,PM2_SUP

3billion
Classification: Pathogenic for Usher syndrome type 2A. Last evaluated: 2022-09-01. Review status: criteria provided, single submitter. Criteria: ACMG Guidelines, 2015. Collection method: clinical testing. Allele origin: germline. Affected: yes. Observed: 1 heterozygote.
Comment: The variant is not observed in the gnomAD v2.1.1 dataset. Stop-gained (nonsense) is predicted to result in a loss or disruption of normal protein function through nonsense-mediated decay (NMD) or protein truncation. Multiple pathogenic variants are reported downstream of the variant. The variant has been reported to be associated with USH2A-related disorder (PMID: 24944099). Therefore, this variant is classified as Pathogenic according to the recommendation of ACMG/AMP guideline.

Literature cited by the submitters: PubMed 34148116 (cited by Myriad Genetics, Inc.); PubMed 24944099 (cited by 3billion).

NM_206933.4(USH2A):c.8141G>A (p.Trp2714Ter)

Gene: USH2A (usherin; minus strand). Cytogenetic location: 1q41.
Variant type: single nucleotide variant.
Coding change: c.8141G>A on transcript NM_206933.4 (MANE Select); coding-DNA position 8141, G replaced by A.
Protein change: p.Trp2714Ter; replaces tryptophan 2714 with a stop codon.
Molecular consequence: nonsense.
Genome position (GRCh38, 1-based): chr1:215,888,508, C>T on the plus strand (G>A on the coding strand, the complement: USH2A is on the minus strand). VCF-style: chr1-215888508-C-T. GRCh37 (hg19) VCF-style: chr1-216061850-C-T.
Other names: short protein forms W2714*.
Identifiers: ClinVar variation 1705706 (VCV001705706.4), dbSNP rs1238086961, ClinGen allele CA344838673.
Genomic context (GRCh38, chr1:215,888,508, plus strand): 5'-ACTGTCACCACAGGTGGCTGCACCCCAGCAGGTCGTGAGGGTCTTGTGGTAACTTCTACC[C>T]AAGCACTGCTGTTTGTGCCTCCATGAAGAGTGCTCATCAGTACCCGATATTCATATTTTG-3'